The following is an entry in ClinVar:

ClinVar aggregate classification (germline): Uncertain significance. Review status: criteria provided, multiple submitters, no conflicts (2 of 4 stars). 3 submissions from 3 submitters: Uncertain significance (3). Last evaluated 2024-04-29.

Conditions:
Inborn genetic diseases. Identifiers: MedGen C0950123, MeSH D030342.

Allele frequency attached by ClinVar (database versions not stated): TOPMed 0.00002.
gnomAD v4.1: 31 of 1,612,610 alleles (0.0019%); highest among the groups gnomAD compares: Middle Eastern, 0.033%; no homozygotes.

Submissions (3):

Blueprint Genetics
Classification: Uncertain significance. Last evaluated: 2024-04-29. Review status: criteria provided, single submitter. Criteria: ACMG Guidelines, 2015. Collection method: clinical testing. Allele origin: germline.

Ambry Genetics
Classification: Uncertain significance for Inborn genetic diseases. Last evaluated: 2023-03-24. Review status: criteria provided, single submitter. Criteria: Ambry Variant Classification Scheme 2023. Collection method: clinical testing. Allele origin: germline.

Labcorp Genetics (formerly Invitae), Labcorp
Classification: Uncertain significance. Last evaluated: 2021-12-24. Review status: criteria provided, single submitter. Criteria: Invitae Variant Classification Sherloc (09022015). Collection method: clinical testing. Allele origin: germline.
Comment: This sequence change replaces valine, which is neutral and non-polar, with leucine, which is neutral and non-polar, at codon 265 of the CDHR1 protein (p.Val265Leu). This variant is present in population databases (rs745363286, gnomAD 0.005%). This variant has not been reported in the literature in individuals affected with CDHR1-related conditions. Advanced modeling of protein sequence and biophysical properties (such as structural, functional, and spatial information, amino acid conservation, physicochemical variation, residue mobility, and thermodynamic stability) performed at Invitae indicates that this missense variant is not expected to disrupt CDHR1 protein function. In summary, the available evidence is currently insufficient to determine the role of this variant in disease. Therefore, it has been classified as a Variant of Uncertain Significance.

NM_033100.4(CDHR1):c.793G>T (p.Val265Leu)

Gene: CDHR1 (cadherin related family member 1; plus strand). Cytogenetic location: 10q23.1.
Variant type: single nucleotide variant.
Coding change: c.793G>T on transcript NM_033100.4 (MANE Select); coding-DNA position 793, G replaced by T.
Protein change: p.Val265Leu; replaces valine 265 with leucine.
Molecular consequence: missense variant.
Genome position (GRCh38, 1-based): chr10:84,204,536, G>T. VCF-style: chr10-84204536-G-T. GRCh37 (hg19) VCF-style: chr10-85964292-G-T.
Other names: c.793G>T (NM_033100.2); c.793G>T, p.Val265Leu (NM_001171971.3); short protein forms V265L.
Identifiers: ClinVar variation 1913685 (VCV001913685.5), dbSNP rs745363286, ClinGen allele CA5579711.
Genomic context (GRCh38, chr10:84,204,536, plus strand): 5'-GGAGGGTCCCCATATTGCCCATCAGGCAGCGGCTGTTCCTGTTTCCCCGAGGGCTCGGAG[G>T]TACTGAAGGTGGTCGCCATGGATGGAGACCGGGGCAAACCCAATCGAATTCTCTACAGCC-3'
Protein context (NP_149091.1, residues 255-275): VYEDTLPGSE[Val265Leu]LKVVAMDGDR